The following is an entry in ClinVar:

ClinVar aggregate classification (germline): Uncertain significance (1 of 4 stars; one submission).

Allele frequency attached by ClinVar (database versions not stated): gnomAD exomes below 0.00001 and 0.00001; ExAC 0.00001.
gnomAD v4.1: 3 of 1,613,072 alleles (0.00019%); highest among the groups gnomAD compares: Non-Finnish European, 0.00025%; no homozygotes.

Submission:

Labcorp Genetics (formerly Invitae), Labcorp
Classification: Uncertain significance. Last evaluated: 2023-07-07. Review status: criteria provided, single submitter. Criteria: Invitae Variant Classification Sherloc (09022015). Collection method: clinical testing. Allele origin: germline.
Comment: This sequence change replaces glycine, which is neutral and non-polar, with aspartic acid, which is acidic and polar, at codon 109 of the PCLO protein (p.Gly109Asp). This variant is present in population databases (rs775559063, gnomAD 0.0009%). This variant has not been reported in the literature in individuals affected with PCLO-related conditions. ClinVar contains an entry for this variant (Variation ID: 1368618). Experimental studies and prediction algorithms are not available or were not evaluated, and the functional significance of this variant is currently unknown. In summary, the available evidence is currently insufficient to determine the role of this variant in disease. Therefore, it has been classified as a Variant of Uncertain Significance.

NM_033026.6(PCLO):c.326G>A (p.Gly109Asp)

Gene: PCLO (piccolo presynaptic cytomatrix protein; minus strand). Cytogenetic location: 7q21.11.
Variant type: single nucleotide variant.
Coding change: c.326G>A on transcript NM_033026.6 (MANE Select); coding-DNA position 326, G replaced by A.
Protein change: p.Gly109Asp; replaces glycine 109 with aspartic acid.
Molecular consequence: missense variant.
Genome position (GRCh38, 1-based): chr7:83,156,315, C>T on the plus strand (G>A on the coding strand, the complement: PCLO is on the minus strand). VCF-style: chr7-83156315-C-T. GRCh37 (hg19) VCF-style: chr7-82785631-C-T.
Other names: c.326G>A, p.Gly109Asp (NM_014510.3); short protein forms G109D.
Identifiers: ClinVar variation 1368618 (VCV001368618.8), dbSNP rs775559063, ClinGen allele CA4321680.
Genomic context (GRCh38, chr7:83,156,315, plus strand): 5'-CTCCTCCCAGGCAATTTCTGCTCTGACCTGAAAGTGTCTGTAGTTCTACTTTTACTGAGA[C>T]CAGGTTGAGCTGGACGCCCAGGGTCCGGGGGTCTTCCTGATTGCTTTGGAGGATGACTAC-3'
Protein context (NP_149015.2, residues 99-119): PPDPGRPAQP[Gly109Asp]LSKSRTTDTF